The following is an entry in ClinVar:

ClinVar aggregate classification (germline): Uncertain significance (1 of 4 stars; one submission).

gnomAD v4.1: 1 of 1,614,178 alleles (0.000062%); highest among the groups gnomAD compares: Non-Finnish European, 0.000085%; no homozygotes.

Submission:

Labcorp Genetics (formerly Invitae), Labcorp
Classification: Uncertain significance. Last evaluated: 2021-07-09. Review status: criteria provided, single submitter. Criteria: Invitae Variant Classification Sherloc (09022015). Collection method: clinical testing. Allele origin: germline.
Comment: In summary, the available evidence is currently insufficient to determine the role of this variant in disease. Therefore, it has been classified as a Variant of Uncertain Significance. Algorithms developed to predict the effect of missense changes on protein structure and function are either unavailable or do not agree on the potential impact of this missense change (SIFT: "Deleterious"; PolyPhen-2: "Benign"; Align-GVGD: "Class C0"). This variant has not been reported in the literature in individuals affected with PRPF8-related conditions. This variant is not present in population databases (ExAC no frequency). This sequence change replaces asparagine with threonine at codon 1188 of the PRPF8 protein (p.Asn1188Thr). The asparagine residue is moderately conserved and there is a small physicochemical difference between asparagine and threonine.

NM_006445.4(PRPF8):c.3563A>C (p.Asn1188Thr)

Gene: PRPF8 (pre-mRNA processing factor 8; minus strand). Cytogenetic location: 17p13.3.
Variant type: single nucleotide variant.
Coding change: c.3563A>C on transcript NM_006445.4 (MANE Select); coding-DNA position 3563, A replaced by C.
Protein change: p.Asn1188Thr; replaces asparagine 1188 with threonine.
Molecular consequence: missense variant.
Genome position (GRCh38, 1-based): chr17:1,673,451, T>G on the plus strand (A>C on the coding strand, the complement: PRPF8 is on the minus strand). VCF-style: chr17-1673451-T-G. GRCh37 (hg19) VCF-style: chr17-1576745-T-G.
Other names: short protein forms N1188T.
Identifiers: ClinVar variation 1437486 (VCV001437486.8), dbSNP rs2151125894, ClinGen allele CA397539437.